The following is an entry in ClinVar:

ClinVar aggregate classification (germline): Uncertain significance. Review status: criteria provided, multiple submitters, no conflicts (2 of 4 stars). 2 submissions from 2 submitters: Uncertain significance (2). Last evaluated 2026-09-11.

Conditions:
Neurofibromatosis, type 1 (NF1). Also called: NEUROFIBROMATOSIS, TYPE I, SOMATIC; Neurofibromatosis, type I; VON RECKLINGHAUSEN DISEASE; Peripheral type neurofibromatosis. Identifiers: Orphanet 636, MedGen C0027831, MONDO:0018975, OMIM 162200. Disease mechanism: loss of function.
Hereditary cancer-predisposing syndrome. Also called: Tumor predisposition; Hereditary neoplastic syndrome; Neoplastic Syndromes, Hereditary; Hereditary Cancer Syndrome. Identifiers: Orphanet 140162, MedGen C0027672, MeSH D009386, MONDO:0015356.
Cardiovascular phenotype. Identifiers: MedGen CN230736.

Submissions (2):

Ambry Genetics
Classification: Uncertain significance for Cardiovascular phenotype; Hereditary cancer-predisposing syndrome. Last evaluated: 2026-09-11. Review status: criteria provided, single submitter. Criteria: Ambry Variant Classification Scheme 2023. Collection method: clinical testing. Allele origin: germline.
Comment: The p.K1283E variant (also known as c.3847A>G), located in coding exon 28 of the NF1 gene, results from an A to G substitution at nucleotide position 3847. The lysine at codon 1283 is replaced by glutamic acid, an amino acid with similar properties. This amino acid position is highly conserved in available vertebrate species. In addition, this alteration is predicted to be deleterious by in silico analysis. Based on the available evidence, the clinical significance of this variant remains unclear.

Labcorp Genetics (formerly Invitae), Labcorp
Classification: Uncertain significance for Neurofibromatosis, type 1. Last evaluated: 2024-10-25. Review status: criteria provided, single submitter. Criteria: Invitae Variant Classification Sherloc (09022015). Collection method: clinical testing. Allele origin: germline.
Comment: This sequence change replaces lysine, which is basic and polar, with glutamic acid, which is acidic and polar, at codon 1283 of the NF1 protein (p.Lys1283Glu). This variant is not present in population databases (gnomAD no frequency). This variant has not been reported in the literature in individuals affected with NF1-related conditions. ClinVar contains an entry for this variant (Variation ID: 1714475). Invitae Evidence Modeling of protein sequence and biophysical properties (such as structural, functional, and spatial information, amino acid conservation, physicochemical variation, residue mobility, and thermodynamic stability) indicates that this missense variant is expected to disrupt NF1 protein function with a positive predictive value of 95%. In summary, the available evidence is currently insufficient to determine the role of this variant in disease. Therefore, it has been classified as a Variant of Uncertain Significance.

NM_001042492.3(NF1):c.3847A>G (p.Lys1283Glu)

Gene: NF1 (neurofibromin 1; plus strand). Cytogenetic location: 17q11.2.
Variant type: single nucleotide variant.
Coding change: c.3847A>G on transcript NM_001042492.3 (MANE Select); coding-DNA position 3847, A replaced by G.
Protein change: p.Lys1283Glu; replaces lysine 1283 with glutamic acid.
Molecular consequence: missense variant.
Genome position (GRCh38, 1-based): chr17:31,235,749, A>G. VCF-style: chr17-31235749-A-G. GRCh37 (hg19) VCF-style: chr17-29562767-A-G.
Other names: c.3847A>G, p.Lys1283Glu (NM_000267.4); short protein forms K1283E.
Identifiers: ClinVar variation 1714475 (VCV001714475.8), dbSNP rs2067189295, ClinGen allele CA398992834.